The following is an entry in ClinVar:

ClinVar aggregate classification (germline): Pathogenic (1 of 4 stars; one submission).

Conditions:
Familial hemiplegic migraine. Identifiers: MedGen C0338484, MONDO:0000700.

Allele frequency attached by ClinVar (database versions not stated): gnomAD exomes below 0.00001.
gnomAD v4.1: 4 of 1,614,170 alleles (0.00025%); highest among the groups gnomAD compares: Non-Finnish European, 0.00034%; no homozygotes.

Submission:

Labcorp Genetics (formerly Invitae), Labcorp
Classification: Pathogenic for Familial hemiplegic migraine. Last evaluated: 2023-06-14. Review status: criteria provided, single submitter. Criteria: Invitae Variant Classification Sherloc (09022015). Collection method: clinical testing. Allele origin: germline.
Comment: For these reasons, this variant has been classified as Pathogenic. This variant has not been reported in the literature in individuals affected with ATP1A2-related conditions. This variant is not present in population databases (gnomAD no frequency). This sequence change creates a premature translational stop signal (p.Arg469*) in the ATP1A2 gene. It is expected to result in an absent or disrupted protein product. Loss-of-function variants in ATP1A2 are known to be pathogenic (PMID: 30690204).

Literature cited by the submitters: PubMed 30690204.

NM_000702.4(ATP1A2):c.1405A>T (p.Arg469Ter)

Gene: ATP1A2 (ATPase Na+/K+ transporting subunit alpha 2; plus strand). Cytogenetic location: 1q23.2.
Variant type: single nucleotide variant.
Coding change: c.1405A>T on transcript NM_000702.4 (MANE Select); coding-DNA position 1405, A replaced by T.
Protein change: p.Arg469Ter; replaces arginine 469 with a stop codon.
Molecular consequence: nonsense.
Genome position (GRCh38, 1-based): chr1:160,129,344, A>T. VCF-style: chr1-160129344-A-T. GRCh37 (hg19) VCF-style: chr1-160099134-A-T.
Other names: short protein forms R469*.
Identifiers: ClinVar variation 2713294 (VCV002713294.3), dbSNP rs2524869946, ClinGen allele CA343242103.